The following is an entry in ClinVar:

ClinVar aggregate classification (germline): Pathogenic. Review status: criteria provided, multiple submitters, no conflicts (2 of 4 stars). 2 submissions from 2 submitters: Pathogenic (2). Last evaluated 2025-12-03.

Allele frequency attached by ClinVar (database versions not stated): TOPMed 0.00001; gnomAD 0.00001; gnomAD exomes 0.00001.
gnomAD v4.1: 17 of 1,614,126 alleles (0.0011%); highest among the groups gnomAD compares: East Asian, 0.0067%; no homozygotes.

Submissions (2):

Labcorp Genetics (formerly Invitae), Labcorp
Classification: Pathogenic. Last evaluated: 2025-12-03. Review status: criteria provided, single submitter. Criteria: Invitae Variant Classification Sherloc (09022015). Collection method: clinical testing. Allele origin: germline.
Comment: This sequence change creates a premature translational stop signal (p.Arg2707*) in the TG gene. It is expected to result in an absent or disrupted protein product. Loss-of-function variants in TG are known to be pathogenic (PMID: 19837936, 23164529). This variant is present in population databases (no rsID available, gnomAD 0.005%). This premature translational stop signal has been observed in individual(s) with clinical features of DUOX2-related conditions (PMID: 27108200). ClinVar contains an entry for this variant (Variation ID: 2721461). For these reasons, this variant has been classified as Pathogenic.

GeneDx
Classification: Pathogenic. Last evaluated: 2023-10-10. Review status: criteria provided, single submitter. Criteria: GeneDx Variant Classification Process June 2021. Collection method: clinical testing. Allele origin: germline. Affected: yes.
Comment: Observed in an individual from a cohort of patients with congenital hypothyroidism (Hu et al., 2016) as well as in a heterozygous patient with transient congenital hypothyroidism who also harbored a pathogenic DUOX2 variant (Fu et al., 2015); Nonsense variant predicted to result in protein truncation or nonsense mediated decay in a gene for which loss of function is a known mechanism of disease; This variant is associated with the following publications: (PMID: 35177841, 27108200, 26777470)

Literature cited by the submitters: PubMed 19837936 (cited by Labcorp Genetics (formerly Invitae), Labcorp); PubMed 23164529 (cited by Labcorp Genetics (formerly Invitae), Labcorp); PubMed 27108200 (cited by Labcorp Genetics (formerly Invitae), Labcorp).

NM_003235.5(TG):c.8119C>T (p.Arg2707Ter)

Gene: TG (thyroglobulin; plus strand). Cytogenetic location: 8q24.22.
Variant type: single nucleotide variant.
Coding change: c.8119C>T on transcript NM_003235.5 (MANE Select); coding-DNA position 8119, C replaced by T.
Protein change: p.Arg2707Ter; replaces arginine 2707 with a stop codon.
Molecular consequence: nonsense.
Genome position (GRCh38, 1-based): chr8:133,133,591, C>T. VCF-style: chr8-133133591-C-T. GRCh37 (hg19) VCF-style: chr8-134145835-C-T.
Other names: c.8119C>T (NM_003235.4); short protein forms R2707*.
Identifiers: ClinVar variation 2721461 (VCV002721461.4), dbSNP rs890862536, ClinGen allele CA186356815.